The following is an entry in ClinVar:

NM_198578.4(LRRK2):c.4658T>C (p.Leu1553Ser)

Gene: LRRK2 (leucine rich repeat kinase 2; plus strand). Cytogenetic location: 12q12.
Variant type: single nucleotide variant.
Coding change: c.4658T>C on transcript NM_198578.4 (MANE Select); coding-DNA position 4658, T replaced by C.
Protein change: p.Leu1553Ser; replaces leucine 1553 with serine.
Molecular consequence: missense variant.
Genome position (GRCh38, 1-based): chr12:40,314,093, T>C. VCF-style: chr12-40314093-T-C. GRCh37 (hg19) VCF-style: chr12-40707895-T-C.
Other names: short protein forms L1553S.
Identifiers: ClinVar variation 1742218 (VCV001742218.4), dbSNP rs2499846602, ClinGen allele CA384418989.

ClinVar aggregate classification (germline): Uncertain significance. Review status: criteria provided, multiple submitters, no conflicts (2 of 4 stars). 2 submissions from 2 submitters: Uncertain significance (2). Last evaluated 2023-10-02.

Conditions:
Inborn genetic diseases. Identifiers: MedGen C0950123, MeSH D030342.

Allele frequency attached by ClinVar (database versions not stated): gnomAD exomes below 0.00001.
gnomAD v4.1: 1 of 1,612,824 alleles (0.000062%); highest among the groups gnomAD compares: Non-Finnish European, 0.000085%; no homozygotes.

Submissions (2):

Athena Diagnostics
Classification: Uncertain significance. Last evaluated: 2023-10-02. Review status: criteria provided, single submitter. Criteria: Athena Diagnostics Criteria. Collection method: clinical testing. Allele origin: unknown.
Comment: Available data are insufficient to determine the clinical significance of the variant at this time. This variant has not been reported in large, multi-ethnic general populations. Computational tools disagree on the variant's effect on normal protein function.

Ambry Genetics
Classification: Uncertain significance for Inborn genetic diseases. Last evaluated: 2023-08-25. Review status: criteria provided, single submitter. Criteria: Ambry Variant Classification Scheme 2023. Collection method: clinical testing. Allele origin: germline.
Comment: The p.L1553S variant (also known as c.4658T>C), located in coding exon 32 of the LRRK2 gene, results from a T to C substitution at nucleotide position 4658. The leucine at codon 1553 is replaced by serine, an amino acid with dissimilar properties. This amino acid position is conserved. In addition, the in silico prediction for this alteration is inconclusive. Since supporting evidence is limited at this time, the clinical significance of this alteration remains unclear.